The following is an entry in ClinVar:

ClinVar aggregate classification (germline): Uncertain significance. Review status: criteria provided, multiple submitters, no conflicts (2 of 4 stars). 3 submissions from 3 submitters: Uncertain significance (3). Last evaluated 2024-09-03.

Conditions:
Inborn genetic diseases. Identifiers: MedGen C0950123, MeSH D030342.
Joubert syndrome 5 (JBTS5). Identifiers: Orphanet 2318, MedGen C1857780, MONDO:0012432, OMIM 610188.
Senior-Loken syndrome 6 (SLSN6). Identifiers: Orphanet 3156, MedGen C1857779, MONDO:0012433, OMIM 610189.
Leber congenital amaurosis 10 (LCA10). Identifiers: Orphanet 65, MedGen C1857821, MONDO:0012723, OMIM 611755.
Meckel syndrome, type 4 (MKS4). Also called: MECKEL-GRUBER SYNDROME, TYPE 4. Identifiers: Orphanet 564, MedGen C1970161, MONDO:0012626, OMIM 611134.
Joubert syndrome. Also called: CEREBELLOPARENCHYMAL DISORDER IV; JOUBERT-BOLTSHAUSER SYNDROME; Familial aplasia of the vermis. Identifiers: Orphanet 475, MedGen C5979921, MONDO:0018772.
Nephronophthisis. Also called: Juvenile Nephronophthisis. Identifiers: Orphanet 655, MedGen C0687120, MONDO:0019005, HP:0000090.
Meckel-Gruber syndrome. Also called: DYSENCEPHALIA SPLANCHNOCYSTICA; GRUBER SYNDROME; Dysencephalia splachnocystica. Identifiers: Orphanet 564, MedGen C0265215, MONDO:0018921.

Submissions (3):

Ambry Genetics
Classification: Uncertain significance for Inborn genetic diseases. Last evaluated: 2024-09-03. Review status: criteria provided, single submitter. Criteria: Ambry Variant Classification Scheme 2023. Collection method: clinical testing. Allele origin: germline.

New York Genome Center
Classification: Uncertain significance for Leber congenital amaurosis 10; Joubert syndrome 5; Senior-Loken syndrome 6; Meckel syndrome, type 4. Last evaluated: 2023-01-11. Review status: criteria provided, single submitter. Criteria: NYGC Assertion Criteria 2020. Collection method: clinical testing. Allele origin: germline. Observed: 1 heterozygote.

Labcorp Genetics (formerly Invitae), Labcorp
Classification: Uncertain significance for Joubert syndrome; Meckel-Gruber syndrome; Nephronophthisis. Last evaluated: 2022-02-11. Review status: criteria provided, single submitter. Criteria: Invitae Variant Classification Sherloc (09022015). Collection method: clinical testing. Allele origin: germline.
Comment: This sequence change replaces lysine, which is basic and polar, with glutamic acid, which is acidic and polar, at codon 2386 of the CEP290 protein (p.Lys2386Glu). This variant is not present in population databases (gnomAD no frequency). This variant has not been reported in the literature in individuals affected with CEP290-related conditions. Algorithms developed to predict the effect of missense changes on protein structure and function output the following: SIFT: "Tolerated"; PolyPhen-2: "Benign"; Align-GVGD: "Class C0". The glutamic acid amino acid residue is found in multiple mammalian species, which suggests that this missense change does not adversely affect protein function. In summary, the available evidence is currently insufficient to determine the role of this variant in disease. Therefore, it has been classified as a Variant of Uncertain Significance.

NM_025114.4(CEP290):c.7156A>G (p.Lys2386Glu)

Gene: CEP290 (centrosomal protein 290; minus strand). Cytogenetic location: 12q21.32.
Variant type: single nucleotide variant.
Coding change: c.7156A>G on transcript NM_025114.4 (MANE Select); coding-DNA position 7156, A replaced by G.
Protein change: p.Lys2386Glu; replaces lysine 2386 with glutamic acid.
Molecular consequence: missense variant.
Genome position (GRCh38, 1-based): chr12:88,050,407, T>C on the plus strand (A>G on the coding strand, the complement: CEP290 is on the minus strand). VCF-style: chr12-88050407-T-C. GRCh37 (hg19) VCF-style: chr12-88444184-T-C.
Other names: short protein forms K2386E.
Identifiers: ClinVar variation 2096383 (VCV002096383.3), dbSNP rs2499368835, ClinGen allele CA385973787.